The following is an entry in ClinVar:

ClinVar aggregate classification (germline): Uncertain significance (1 of 4 stars; one submission).

Conditions:
Inborn genetic diseases. Identifiers: MedGen C0950123, MeSH D030342.

Submission:

Ambry Genetics
Classification: Uncertain significance for Inborn genetic diseases. Last evaluated: 2026-06-21. Review status: criteria provided, single submitter. Criteria: Ambry Variant Classification Scheme 2023. Collection method: clinical testing. Allele origin: germline.
Comment: The p.N78Y variant (also known as c.232A>T), located in coding exon 2 of the BMPR2 gene, results from an A to T substitution at nucleotide position 232. The asparagine at codon 78 is replaced by tyrosine, an amino acid with dissimilar properties. This amino acid position is conserved. In addition, the in silico prediction for this alteration is inconclusive. Based on the available evidence, the clinical significance of this variant remains unclear.

NM_001204.7(BMPR2):c.232A>T (p.Asn78Tyr)

Gene: BMPR2 (bone morphogenetic protein receptor type 2; plus strand). Cytogenetic location: 2q33.1.
Variant type: single nucleotide variant.
Coding change: c.232A>T on transcript NM_001204.7 (MANE Select); coding-DNA position 232, A replaced by T.
Protein change: p.Asn78Tyr; replaces asparagine 78 with tyrosine.
Molecular consequence: missense variant.
Genome position (GRCh38, 1-based): chr2:202,464,964, A>T. VCF-style: chr2-202464964-A-T. GRCh37 (hg19) VCF-style: chr2-203329687-A-T.
Other names: short protein forms N78Y.
Identifiers: ClinVar variation 5033064 (VCV005033064.1).